The following is an entry in ClinVar:

ClinVar aggregate classification (germline): Uncertain significance. Review status: criteria provided, multiple submitters, no conflicts (2 of 4 stars). 2 submissions from 2 submitters: Uncertain significance (2). Last evaluated 2023-10-17.

Conditions:
Hereditary cancer-predisposing syndrome. Also called: Neoplastic Syndromes, Hereditary; Hereditary neoplastic syndrome; Tumor predisposition; Hereditary Cancer Syndrome. Identifiers: Orphanet 140162, MedGen C0027672, MeSH D009386, MONDO:0015356.
Peutz-Jeghers syndrome (PJS). Also called: POLYPOSIS, HAMARTOMATOUS INTESTINAL; POLYPS-AND-SPOTS SYNDROME; Peutz-Jeghers polyposis; Periorificial lentiginosis syndrome. Identifiers: Orphanet 2869, MedGen C0031269, MeSH D010580, MONDO:0008280, OMIM 175200.

Allele frequency attached by ClinVar (database versions not stated): gnomAD exomes below 0.00001; 1000 Genomes Project 30x 0.00016.

Submissions (2):

Ambry Genetics
Classification: Uncertain significance for Hereditary cancer-predisposing syndrome. Last evaluated: 2023-10-17. Review status: criteria provided, single submitter. Criteria: Ambry Variant Classification Scheme 2023. Collection method: clinical testing. Allele origin: germline.
Comment: The p.P294L variant (also known as c.881C>T), located in coding exon 7 of the STK11 gene, results from a C to T substitution at nucleotide position 881. The proline at codon 294 is replaced by leucine, an amino acid with similar properties. This amino acid position is highly conserved in available vertebrate species. In addition, this alteration is predicted to be deleterious by in silico analysis. Since supporting evidence is limited at this time, the clinical significance of this alteration remains unclear.

Labcorp Genetics (formerly Invitae), Labcorp
Classification: Uncertain significance for Peutz-Jeghers syndrome. Last evaluated: 2023-06-27. Review status: criteria provided, single submitter. Criteria: Invitae Variant Classification Sherloc (09022015). Collection method: clinical testing. Allele origin: germline.
Comment: ClinVar contains an entry for this variant (Variation ID: 846089). This sequence change replaces proline, which is neutral and non-polar, with leucine, which is neutral and non-polar, at codon 294 of the STK11 protein (p.Pro294Leu). This variant is not present in population databases (gnomAD no frequency). This variant has not been reported in the literature in individuals affected with STK11-related conditions. Advanced modeling of protein sequence and biophysical properties (such as structural, functional, and spatial information, amino acid conservation, physicochemical variation, residue mobility, and thermodynamic stability) performed at Invitae indicates that this missense variant is expected to disrupt STK11 protein function. In summary, the available evidence is currently insufficient to determine the role of this variant in disease. Therefore, it has been classified as a Variant of Uncertain Significance.

NM_000455.5(STK11):c.881C>T (p.Pro294Leu)

Gene: STK11 (serine/threonine kinase 11; plus strand). Cytogenetic location: 19p13.3.
Variant type: single nucleotide variant.
Coding change: c.881C>T on transcript NM_000455.5 (MANE Select); coding-DNA position 881, C replaced by T.
Protein change: p.Pro294Leu; replaces proline 294 with leucine.
Molecular consequence: missense variant.
Genome position (GRCh38, 1-based): chr19:1,221,967, C>T. VCF-style: chr19-1221967-C-T. GRCh37 (hg19) VCF-style: chr19-1221966-C-T.
Other names: short protein forms P294L.
Identifiers: ClinVar variation 846089 (VCV000846089.12), dbSNP rs866454760, ClinGen allele CA402951210.